The following is an entry in ClinVar:

NM_153240.5(NPHP3):c.1714T>C (p.Ser572Pro)

Genes: NPHP3 (nephrocystin 3; minus strand), NPHP3-ACAD11 (NPHP3-ACAD11 readthrough (NMD candidate); minus strand). Cytogenetic location: 3q22.1.
Variant type: single nucleotide variant.
Coding change: c.1714T>C on transcript NM_153240.5 (MANE Select); coding-DNA position 1714, T replaced by C.
Protein change: p.Ser572Pro; replaces serine 572 with proline.
Molecular consequence: missense variant. On other transcripts: non-coding transcript variant (1).
Genome position (GRCh38, 1-based): chr3:132,700,363, A>G on the plus strand (T>C on the coding strand, the complement: NPHP3 is on the minus strand). VCF-style: chr3-132700363-A-G. GRCh37 (hg19) VCF-style: chr3-132419207-A-G.
Other names: short protein forms S572P.
Identifiers: ClinVar variation 1384454 (VCV001384454.8), dbSNP rs781274734, ClinGen allele CA354582968.

ClinVar aggregate classification (germline): Uncertain significance (1 of 4 stars; one submission).

Conditions:
Nephronophthisis. Also called: Juvenile Nephronophthisis. Identifiers: Orphanet 655, MedGen C0687120, MONDO:0019005, HP:0000090.

gnomAD v4.1: 1 of 1,610,904 alleles (0.000062%); highest among the groups gnomAD compares: South Asian, 0.0011%; no homozygotes.

Submission:

Labcorp Genetics (formerly Invitae), Labcorp
Classification: Uncertain significance for Nephronophthisis. Last evaluated: 2022-07-06. Review status: criteria provided, single submitter. Criteria: Invitae Variant Classification Sherloc (09022015). Collection method: clinical testing. Allele origin: germline.
Comment: This sequence change replaces serine, which is neutral and polar, with proline, which is neutral and non-polar, at codon 572 of the NPHP3 protein (p.Ser572Pro). This variant is not present in population databases (gnomAD no frequency). This variant has not been reported in the literature in individuals affected with NPHP3-related conditions. ClinVar contains an entry for this variant (Variation ID: 1384454). Algorithms developed to predict the effect of missense changes on protein structure and function are either unavailable or do not agree on the potential impact of this missense change (SIFT: "Tolerated"; PolyPhen-2: "Possibly Damaging"; Align-GVGD: "Class C0"). In summary, the available evidence is currently insufficient to determine the role of this variant in disease. Therefore, it has been classified as a Variant of Uncertain Significance.